The following is an entry in ClinVar:

NM_003737.4(DCHS1):c.3406C>T (p.Pro1136Ser)

Gene: DCHS1 (dachsous cadherin-related 1; minus strand). Cytogenetic location: 11p15.4.
Variant type: single nucleotide variant.
Coding change: c.3406C>T on transcript NM_003737.4 (MANE Select); coding-DNA position 3406, C replaced by T.
Protein change: p.Pro1136Ser; replaces proline 1136 with serine.
Molecular consequence: missense variant.
Genome position (GRCh38, 1-based): chr11:6,632,106, G>A on the plus strand (C>T on the coding strand, the complement: DCHS1 is on the minus strand). VCF-style: chr11-6632106-G-A. GRCh37 (hg19) VCF-style: chr11-6653337-G-A.
Other names: short protein forms P1136S.
Identifiers: ClinVar variation 2989663 (VCV002989663.3), dbSNP rs144198293, ClinGen allele CA5860551.
Genomic context (GRCh38, chr11:6,632,106, plus strand): 5'-TGCGGAAGGCCTTGCTGTCTTCAGACAGCTGTTGCAGGCTGTAGGTCAGACGTCCATTGG[G>A]TCCTGAGTCTCGGTCAGTGGCAAAGACTCGGCCCACGCTGGTCCCTGGGGGCTGGTTCTC-3'
Protein context (NP_003728.1, residues 1126-1146): RVFATDRDSG[Pro1136Ser]NGRLTYSLQQ

ClinVar aggregate classification (germline): Uncertain significance (1 of 4 stars; one submission).

Allele frequency attached by ClinVar (database versions not stated): ExAC 0.00001; gnomAD 0.00001; ESP Exome Variant Server 0.00008.

Submission:

Labcorp Genetics (formerly Invitae), Labcorp
Classification: Uncertain significance. Last evaluated: 2024-07-03. Review status: criteria provided, single submitter. Criteria: Invitae Variant Classification Sherloc (09022015). Collection method: clinical testing. Allele origin: germline.
Comment: This sequence change replaces proline, which is neutral and non-polar, with serine, which is neutral and polar, at codon 1136 of the DCHS1 protein (p.Pro1136Ser). The frequency data for this variant in the population databases is considered unreliable, as metrics indicate poor data quality at this position in the gnomAD database. This variant has not been reported in the literature in individuals affected with DCHS1-related conditions. Advanced modeling of protein sequence and biophysical properties (such as structural, functional, and spatial information, amino acid conservation, physicochemical variation, residue mobility, and thermodynamic stability) performed at Invitae indicates that this missense variant is not expected to disrupt DCHS1 protein function with a negative predictive value of 80%. In summary, the available evidence is currently insufficient to determine the role of this variant in disease. Therefore, it has been classified as a Variant of Uncertain Significance.